The following is an entry in ClinVar:

NM_004415.4(DSP):c.2296A>G (p.Ser766Gly)

Gene: DSP (desmoplakin; plus strand). Cytogenetic location: 6p24.3.
Variant type: single nucleotide variant.
Coding change: c.2296A>G on transcript NM_004415.4 (MANE Select); coding-DNA position 2296, A replaced by G.
Protein change: p.Ser766Gly; replaces serine 766 with glycine.
Molecular consequence: missense variant.
Genome position (GRCh38, 1-based): chr6:7,574,251, A>G. VCF-style: chr6-7574251-A-G. GRCh37 (hg19) VCF-style: chr6-7574484-A-G.
Other names: c.2296A>G, p.Ser766Gly (NM_001008844.3, NM_001319034.2); short protein forms S766G.
Identifiers: ClinVar variation 3224218 (VCV003224218.19), dbSNP rs1759158849, ClinGen allele CA362681002.
Genomic context (GRCh38, chr6:7,574,251, plus strand): 5'-GTATTTGGACTATTTCAGAAACTGGAAAATATCAATGGTGTTACAGATGGCTACTTAAAT[A>G]GGTAAACTCAGCTAACACTAATCTCATATTTTCCTTTTCTCAAGCTTCTTTTTCTGGGTC-3'
Protein context (NP_004406.2, residues 756-776): INGVTDGYLN[Ser766Gly]LCTVRALLQA

ClinVar aggregate classification (germline): Uncertain significance. Review status: criteria provided, multiple submitters, no conflicts (2 of 4 stars). 3 submissions from 3 submitters: Uncertain significance (3). Last evaluated 2026-01-19.

Conditions:
Cardiovascular phenotype. Identifiers: MedGen CN230736.
Arrhythmogenic cardiomyopathy with wooly hair and keratoderma. Also called: PALMOPLANTAR KERATODERMA WITH LEFT VENTRICULAR CARDIOMYOPATHY AND WOOLLY HAIR; Carvajal syndrome; Arrhythmogenic cardiomyopathy with woolly hair and keratoderma; Dilated cardiomyopathy with woolly hair and keratoderma. Identifiers: Orphanet 65282, MedGen C1854063, MONDO:0011581, OMIM 605676.
Arrhythmogenic right ventricular dysplasia 8 (ARVD8). Also called: Arrhythmogenic Right Ventricular Dysplasia/Cardiomyopathy 8; ARRHYTHMOGENIC RIGHT VENTRICULAR DYSPLASIA, FAMILIAL, 8; ARRHYTHMOGENIC RIGHT VENTRICULAR CARDIOMYOPATHY 8. Identifiers: MedGen C1843896, MONDO:0011831, OMIM 607450.

Allele frequency attached by ClinVar (database versions not stated): gnomAD exomes below 0.00001.

Submissions (3):

Labcorp Genetics (formerly Invitae), Labcorp
Classification: Uncertain significance for Arrhythmogenic cardiomyopathy with wooly hair and keratoderma; Arrhythmogenic right ventricular dysplasia 8. Last evaluated: 2026-01-19. Review status: criteria provided, single submitter. Criteria: Invitae Variant Classification Sherloc (09022015). Collection method: clinical testing. Allele origin: germline.
Comment: This sequence change replaces serine, which is neutral and polar, with glycine, which is neutral and non-polar, at codon 766 of the DSP protein (p.Ser766Gly). This variant is not present in population databases (gnomAD no frequency). This variant has not been reported in the literature in individuals affected with DSP-related conditions. ClinVar contains an entry for this variant (Variation ID: 3224218). An algorithm developed to predict the effect of missense changes on protein structure and function (PolyPhen-2) suggests that this variant is likely to be disruptive. In summary, the available evidence is currently insufficient to determine the role of this variant in disease. Therefore, it has been classified as a Variant of Uncertain Significance.

CeGaT Center for Human Genetics Tuebingen
Classification: Uncertain significance. Last evaluated: 2024-07-01. Review status: criteria provided, single submitter. Criteria: CeGaT Center For Human Genetics Tuebingen Variant Classification Criteria Version 2. Collection method: clinical testing. Allele origin: germline. Affected: yes. Observed: 1 variant allele.
Comment: DSP: PM2

Ambry Genetics
Classification: Uncertain significance for Cardiovascular phenotype. Last evaluated: 2024-03-11. Review status: criteria provided, single submitter. Criteria: Ambry Variant Classification Scheme 2023. Collection method: clinical testing. Allele origin: germline.
Comment: The p.S766G variant (also known as c.2296A>G), located in coding exon 16 of the DSP gene, results from an A to G substitution at nucleotide position 2296. The serine at codon 766 is replaced by glycine, an amino acid with similar properties. This amino acid position is conserved. In addition, the in silico prediction for this alteration is inconclusive. Based on the available evidence, the clinical significance of this alteration remains unclear.